The following is an entry in ClinVar:

NM_000540.3(RYR1):c.8400+5C>G

Genes: RYR1 (ryanodine receptor 1; plus strand), LOC126862902 (BRD4-independent group 4 enhancer GRCh37_chr19:38995830-38997029; plus strand). Cytogenetic location: 19q13.2.
Variant type: single nucleotide variant.
Coding change: c.8400+5C>G on transcript NM_000540.3 (MANE Select); 5 bases into the intron after coding-DNA position 8400, C replaced by G.
Molecular consequence: intron variant.
Genome position (GRCh38, 1-based): chr19:38,505,403, C>G. VCF-style: chr19-38505403-C-G. GRCh37 (hg19) VCF-style: chr19-38996043-C-G.
Other names: c.8400+5C>G (NM_001042723.2).
Identifiers: ClinVar variation 2072740 (VCV002072740.4), dbSNP rs774950464, ClinGen allele CA071960.

ClinVar aggregate classification (germline): Uncertain significance (1 of 4 stars; one submission).

Conditions:
RYR1-related disorder. Also called: RYR1-related condition; RYR1-related disorders. Identifiers: MedGen CN239331.

Allele frequency attached by ClinVar (database versions not stated): gnomAD 0.00001; gnomAD exomes 0.00001; ExAC 0.00001.
gnomAD v4.1: 11 of 1,599,288 alleles (0.00069%); highest among the groups gnomAD compares: Middle Eastern, 0.017%; no homozygotes.

Submission:

Labcorp Genetics (formerly Invitae), Labcorp
Classification: Uncertain significance for RYR1-related disorder. Last evaluated: 2023-08-04. Review status: criteria provided, single submitter. Criteria: Invitae Variant Classification Sherloc (09022015). Collection method: clinical testing. Allele origin: germline.
Comment: ClinVar contains an entry for this variant (Variation ID: 2072740). In summary, the available evidence is currently insufficient to determine the role of this variant in disease. Therefore, it has been classified as a Variant of Uncertain Significance. Variants that disrupt the consensus splice site are a relatively common cause of aberrant splicing (PMID: 17576681, 9536098). Algorithms developed to predict the effect of sequence changes on RNA splicing suggest that this variant is not likely to affect RNA splicing. This variant has not been reported in the literature in individuals affected with RYR1-related conditions. This variant is present in population databases (rs774950464, gnomAD 0.003%). This sequence change falls in intron 53 of the RYR1 gene. It does not directly change the encoded amino acid sequence of the RYR1 protein. It affects a nucleotide within the consensus splice site.

Literature cited by the submitters: PubMed 17576681; PubMed 9536098.